The following is an entry in ClinVar:

NM_000410.4(HFE):c.21G>A (p.Pro7=)

Genes: HFE (homeostatic iron regulator; plus strand), HFE-AS1 (HFE antisense RNA 1; minus strand). Cytogenetic location: 6p22.2.
Variant type: single nucleotide variant.
Coding change: c.21G>A on transcript NM_000410.4 (MANE Select); coding-DNA position 21, G replaced by A.
Protein change: p.Pro7=; no amino-acid change (proline 7 retained).
Molecular consequence: synonymous variant. On other transcripts: non-coding transcript variant (1).
Genome position (GRCh38, 1-based): chr6:26,087,461, G>A. VCF-style: chr6-26087461-G-A. GRCh37 (hg19) VCF-style: chr6-26087689-G-A.
Other names: c.21G>A, p.Pro7= (NM_001300749.3, NM_001384164.1, NM_001406751.1 and 9 more transcripts).
Identifiers: ClinVar variation 414267 (VCV000414267.24), dbSNP rs114758821, ClinGen allele CA3666555.

ClinVar aggregate classification (germline): Conflicting classifications of pathogenicity. Review status: criteria provided, conflicting classifications (1 of 4 stars). 6 submissions from 6 submitters: Uncertain significance (1); Benign (1); Likely benign (3). 1 of the submissions does not count toward it. Last evaluated 2026-06-01.

Conditions:
Hemochromatosis type 1 (HFE1). Also called: HFE-Related Hemochromatosis; HFE-Associated Hereditary Hemochromatosis. Identifiers: Orphanet 465508, MedGen C3469186, MONDO:0021001, OMIM 235200. Disease mechanism: loss of function.
HFE-related disorder. Also called: HFE-related condition.
Hereditary hemochromatosis (HFE). Identifiers: MedGen C0392514, MONDO:0006507. Disease mechanism: loss of function.

Allele frequency attached by ClinVar (database versions not stated): gnomAD exomes 0.00018 and 0.00079; gnomAD 0.00039 and 0.00045; TOPMed 0.00050; ExAC 0.00071; 1000 Genomes Project 0.00140; 1000 Genomes Project 30x 0.00141.
gnomAD v4.1: 433 of 1,614,068 alleles (0.027%); highest among the groups gnomAD compares: East Asian, 0.63%; 6 homozygotes.

Submissions (6):

CeGaT Center for Human Genetics Tuebingen
Classification: Likely benign. Last evaluated: 2026-06-01. Review status: criteria provided, single submitter. Criteria: CeGaT Center For Human Genetics Tuebingen Variant Classification Criteria Version 2. Collection method: clinical testing. Allele origin: germline. Affected: yes. Observed: 1 variant allele.
Comment: HFE: BP4, BP7

Labcorp Genetics (formerly Invitae), Labcorp
Classification: Benign for Hereditary hemochromatosis. Last evaluated: 2026-02-03. Review status: criteria provided, single submitter. Criteria: Invitae Variant Classification Sherloc (09022015). Collection method: clinical testing. Allele origin: germline.

Blueprint Genetics
Classification: Likely benign. Last evaluated: 2024-11-21. Review status: criteria provided, single submitter. Criteria: ACMG Guidelines, 2015. Collection method: clinical testing. Allele origin: germline.

GeneDx
Classification: Likely benign. Last evaluated: 2021-01-05. Review status: criteria provided, single submitter. Criteria: GeneDx Variant Classification Process June 2021. Collection method: clinical testing. Allele origin: germline. Affected: yes.

Illumina Laboratory Services, Illumina
Classification: Uncertain significance for Hemochromatosis type 1. Last evaluated: 2018-01-13. Review status: criteria provided, single submitter. Criteria: ICSL Variant Classification Criteria 13 December 2019. Collection method: clinical testing. Allele origin: germline.

PreventionGenetics, part of Exact Sciences
Classification: Benign for HFE-related condition. Last evaluated: 2021-04-07. Review status: no assertion criteria provided. Collection method: clinical testing. Allele origin: germline. Not counted in ClinVar's aggregate classification.
Comment: This variant is classified as benign based on ACMG/AMP sequence variant interpretation guidelines (Richards et al. 2015 PMID: 25741868, with internal and published modifications).